The following is an entry in ClinVar:

NM_001103.4(ACTN2):c.1288G>C (p.Glu430Gln)

Gene: ACTN2 (actinin alpha 2; plus strand). Cytogenetic location: 1q43.
Variant type: single nucleotide variant.
Coding change: c.1288G>C on transcript NM_001103.4 (MANE Select); coding-DNA position 1288, G replaced by C.
Protein change: p.Glu430Gln; replaces glutamic acid 430 with glutamine.
Molecular consequence: missense variant.
Genome position (GRCh38, 1-based): chr1:236,744,658, G>C. VCF-style: chr1-236744658-G-C. GRCh37 (hg19) VCF-style: chr1-236907958-G-C.
Other names: c.1288G>C, p.Glu430Gln (NM_001278343.2); c.664G>C, p.Glu222Gln (NM_001278344.2); short protein forms E430Q, E222Q.
Identifiers: ClinVar variation 463192 (VCV000463192.11), dbSNP rs370865082, ClinGen allele CA1473109.

ClinVar aggregate classification (germline): Conflicting classifications of pathogenicity. Review status: criteria provided, conflicting classifications (1 of 4 stars). 4 submissions from 4 submitters: Uncertain significance (3); Benign (1). Last evaluated 2026-06-05.

Conditions:
ACTN2-related disorder. Also called: ACTN2 related condition; ACTN2-related disorders.
Myopathy, congenital, with structured cores and z-line abnormalities. Also called: CONGENITAL MYOPATHY 8; MULTIPLE STRUCTURED CORE DISEASE. Identifiers: MedGen C5231445, MONDO:0032852, OMIM 618654.
Myopathy, distal, 6, adult-onset, autosomal dominant. Identifiers: MedGen C5203349, MONDO:0032853, OMIM 618655.
Dilated cardiomyopathy 1AA (CMD1AA). Also called: CARDIOMYOPATHY, DILATED, 1AA, WITH OR WITHOUT LEFT VENTRICULAR NONCOMPACTION; CARDIOMYOPATHY, FAMILIAL HYPERTROPHIC, 23, WITH OR WITHOUT LEFT VENTRICULAR NONCOMPACTION; Cardiomyopathy, dilated, 1AA, with or without LVNC. Identifiers: Orphanet 154, MedGen C2677338, MONDO:0012808, OMIM 612158.
Cardiovascular phenotype. Identifiers: MedGen CN230736.
Primary familial hypertrophic cardiomyopathy (HCM). Identifiers: Orphanet 99739, MedGen C0949658, MeSH D024741, MONDO:0024573. Inheritance: Various modes of inheritance.

Allele frequency attached by ClinVar (database versions not stated): gnomAD 0.00006; ESP Exome Variant Server 0.00008; TOPMed 0.00008.
gnomAD v4.1: 13 of 1,614,086 alleles (0.00081%); highest among the groups gnomAD compares: African/African-American, 0.012%; no homozygotes.

Submissions (4):

PreventionGenetics, part of Exact Sciences
Classification: Uncertain significance for ACTN2-related condition. Last evaluated: 2026-06-05. Review status: criteria provided, single submitter. Criteria: ACMG Guidelines, 2015. Collection method: clinical testing. Allele origin: germline.
Comment: The ACTN2 c.1288G>C variant is predicted to result in the amino acid substitution p.Glu430Gln. To our knowledge, this variant has not been reported in the literature. This variant is reported in 0.016% of alleles in individuals of African descent in gnomAD. At this time, the clinical significance of this variant is uncertain due to the absence of conclusive functional and genetic evidence.

Labcorp Genetics (formerly Invitae), Labcorp
Classification: Benign for Primary familial hypertrophic cardiomyopathy; Dilated cardiomyopathy 1AA. Last evaluated: 2026-01-12. Review status: criteria provided, single submitter. Criteria: Invitae Variant Classification Sherloc (09022015). Collection method: clinical testing. Allele origin: germline.

Ambry Genetics
Classification: Uncertain significance for Cardiovascular phenotype. Last evaluated: 2025-10-27. Review status: criteria provided, single submitter. Criteria: Ambry Variant Classification Scheme 2023. Collection method: clinical testing. Allele origin: germline.
Comment: The p.E430Q variant (also known as c.1288G>C), located in coding exon 12 of the ACTN2 gene, results from a G to C substitution at nucleotide position 1288. The glutamic acid at codon 430 is replaced by glutamine, an amino acid with highly similar properties. This amino acid position is conserved. In addition, this alteration is predicted to be tolerated by in silico analysis. Since supporting evidence is limited at this time, the clinical significance of this alteration remains unclear.

Fulgent Genetics
Classification: Uncertain significance for Dilated cardiomyopathy 1AA; Myopathy, congenital, with structured cores and z-line abnormalities; Myopathy, distal, 6, adult-onset, autosomal dominant. Last evaluated: 2021-07-12. Review status: criteria provided, single submitter. Criteria: ACMG Guidelines, 2015. Collection method: clinical testing. Allele origin: unknown.